The following is an entry in ClinVar:

NM_032856.5(WDR73):c.392A>G (p.Lys131Arg)

Gene: WDR73 (WD repeat domain 73; minus strand). Cytogenetic location: 15q25.2.
Variant type: single nucleotide variant.
Coding change: c.392A>G on transcript NM_032856.5 (MANE Select); coding-DNA position 392, A replaced by G.
Protein change: p.Lys131Arg; replaces lysine 131 with arginine.
Molecular consequence: missense variant. On other transcripts: non-coding transcript variant (4).
Genome position (GRCh38, 1-based): chr15:84,646,309, T>C on the plus strand (A>G on the coding strand, the complement: WDR73 is on the minus strand). VCF-style: chr15-84646309-T-C. GRCh37 (hg19) VCF-style: chr15-85189540-T-C.
Other names: short protein forms K131R.
Identifiers: ClinVar variation 3002196 (VCV003002196.3), dbSNP rs1239534988, ClinGen allele CA393353785.

ClinVar aggregate classification (germline): Uncertain significance (1 of 4 stars; one submission).

Allele frequency attached by ClinVar (database versions not stated): gnomAD exomes below 0.00001; TOPMed below 0.00001; gnomAD 0.00001.
gnomAD v4.1: 6 of 1,613,814 alleles (0.00037%); highest among the groups gnomAD compares: Non-Finnish European, 0.00051%; no homozygotes.

Submission:

Labcorp Genetics (formerly Invitae), Labcorp
Classification: Uncertain significance. Last evaluated: 2023-10-16. Review status: criteria provided, single submitter. Criteria: Invitae Variant Classification Sherloc (09022015). Collection method: clinical testing. Allele origin: germline.
Comment: This sequence change replaces lysine, which is basic and polar, with arginine, which is basic and polar, at codon 131 of the WDR73 protein (p.Lys131Arg). This variant is present in population databases (no rsID available, gnomAD 0.0009%). This variant has not been reported in the literature in individuals affected with WDR73-related conditions. Advanced modeling of protein sequence and biophysical properties (such as structural, functional, and spatial information, amino acid conservation, physicochemical variation, residue mobility, and thermodynamic stability) performed at Invitae indicates that this missense variant is not expected to disrupt WDR73 protein function. In summary, the available evidence is currently insufficient to determine the role of this variant in disease. Therefore, it has been classified as a Variant of Uncertain Significance.